The following is an entry in ClinVar:

ClinVar aggregate classification (germline): Uncertain significance (1 of 4 stars; one submission).

Conditions:
Joubert syndrome. Also called: CEREBELLOPARENCHYMAL DISORDER IV; JOUBERT-BOLTSHAUSER SYNDROME; Familial aplasia of the vermis. Identifiers: Orphanet 475, MedGen C5979921, MONDO:0018772.
Meckel-Gruber syndrome. Also called: DYSENCEPHALIA SPLANCHNOCYSTICA; GRUBER SYNDROME; Dysencephalia splachnocystica. Identifiers: Orphanet 564, MedGen C0265215, MONDO:0018921.

Allele frequency attached by ClinVar (database versions not stated): gnomAD exomes below 0.00001; TOPMed below 0.00001.
gnomAD v4.1: 1 of 1,614,138 alleles (0.000062%); highest among the groups gnomAD compares: Non-Finnish European, 0.000085%; no homozygotes.

Submission:

Labcorp Genetics (formerly Invitae), Labcorp
Classification: Uncertain significance for Joubert syndrome; Meckel-Gruber syndrome. Last evaluated: 2021-10-14. Review status: criteria provided, single submitter. Criteria: Invitae Variant Classification Sherloc (09022015). Collection method: clinical testing. Allele origin: germline.
Comment: This sequence change replaces glycine with serine at codon 414 of the MKS1 protein (p.Gly414Ser). The glycine residue is highly conserved and there is a small physicochemical difference between glycine and serine. This variant is not present in population databases (ExAC no frequency). This variant has not been reported in the literature in individuals affected with MKS1-related conditions. Advanced modeling of protein sequence and biophysical properties (such as structural, functional, and spatial information, amino acid conservation, physicochemical variation, residue mobility, and thermodynamic stability) performed at Invitae indicates that this missense variant is expected to disrupt MKS1 protein function. In summary, the available evidence is currently insufficient to determine the role of this variant in disease. Therefore, it has been classified as a Variant of Uncertain Significance.

NM_017777.4(MKS1):c.1240G>A (p.Gly414Ser)

Gene: MKS1 (MKS transition zone complex subunit 1; minus strand). Cytogenetic location: 17q22.
Variant type: single nucleotide variant.
Coding change: c.1240G>A on transcript NM_017777.4 (MANE Select); coding-DNA position 1240, G replaced by A.
Protein change: p.Gly414Ser; replaces glycine 414 with serine.
Molecular consequence: missense variant.
Genome position (GRCh38, 1-based): chr17:58,207,927, C>T on the plus strand (G>A on the coding strand, the complement: MKS1 is on the minus strand). VCF-style: chr17-58207927-C-T. GRCh37 (hg19) VCF-style: chr17-56285288-C-T.
Other names: c.631G>A, p.Gly211Ser (NM_001321268.2); c.1240G>A, p.Gly414Ser (NM_001321269.2, NM_001330397.2); short protein forms G414S, G211S.
Identifiers: ClinVar variation 1442317 (VCV001442317.5), dbSNP rs1178459205, ClinGen allele CA400325440.
Genomic context (GRCh38, chr17:58,207,927, plus strand): 5'-CACAGAAGGGCAGAGACGAGCGGTTACCTGGAGTGGCAGGCAGCACCACAGCCCCATAGC[C>T]TTCCACACGGTACCTCTGCCAGAAGTCCAGCGAGAGGACCTCACAGTAGAGCACAGGCCA-3'
Protein context (NP_060247.2, residues 404-424): LDFWQRYRVE[Gly414Ser]YGAVVLPATP